The following is an entry in ClinVar:

NM_000834.5(GRIN2B):c.2497C>G (p.Leu833Val)

Gene: GRIN2B (glutamate ionotropic receptor NMDA type subunit 2B; minus strand). Cytogenetic location: 12p13.1.
Variant type: single nucleotide variant.
Coding change: c.2497C>G on transcript NM_000834.5 (MANE Select); coding-DNA position 2497, C replaced by G.
Protein change: p.Leu833Val; replaces leucine 833 with valine.
Molecular consequence: missense variant.
Genome position (GRCh38, 1-based): chr12:13,567,126, G>C on the plus strand (C>G on the coding strand, the complement: GRIN2B is on the minus strand). VCF-style: chr12-13567126-G-C. GRCh37 (hg19) VCF-style: chr12-13720060-G-C.
Other names: short protein forms L833V.
Identifiers: ClinVar variation 1686741 (VCV001686741.7), dbSNP rs1439435536, ClinGen allele CA383996255.

ClinVar aggregate classification (germline): Conflicting classifications of pathogenicity. Review status: criteria provided, conflicting classifications (1 of 4 stars). 2 submissions from 2 submitters: Uncertain significance (1); Likely benign (1). Last evaluated 2023-05-15.

Conditions:
Intellectual developmental disorder, autosomal dominant 6, with or without seizures. Also called: GRIN2B-related developmental delay, intellectual disability and autism spectrum disorder; Intellectual disability, autosomal dominant 6. Identifiers: Orphanet 589547, MedGen C3151411, MONDO:0013509, OMIM 613970.
Developmental and epileptic encephalopathy, 27 (DEE27). Also called: GRIN2B-Related Neurodevelopmental Disorder; Epileptic encephalopathy, early infantile, 27. Identifiers: Orphanet 3451, MedGen C4015316, MONDO:0014505, OMIM 616139.

Allele frequency attached by ClinVar (database versions not stated): TOPMed 0.00001; gnomAD 0.00001.
gnomAD v4.1: 1 of 1,614,020 alleles (0.000062%); highest among the groups gnomAD compares: African/African-American, 0.0013%; no homozygotes.

Submissions (2):

Labcorp Genetics (formerly Invitae), Labcorp
Classification: Likely benign for Developmental and epileptic encephalopathy, 27; Intellectual developmental disorder, autosomal dominant 6, with or without seizures. Last evaluated: 2023-05-15. Review status: criteria provided, single submitter. Criteria: Invitae Variant Classification Sherloc (09022015). Collection method: clinical testing. Allele origin: germline.

GeneDx
Classification: Uncertain significance. Last evaluated: 2021-11-18. Review status: criteria provided, single submitter. Criteria: GeneDx Variant Classification Process June 2021. Collection method: clinical testing. Allele origin: germline. Affected: yes.
Comment: Not observed at significant frequency in large population cohorts (gnomAD); Has not been previously published as pathogenic or benign to our knowledge; This variant is associated with the following publications: (PMID: 27839871)